The following is an entry in ClinVar:

NM_024570.4(RNASEH2B):c.345A>C (p.Gln115His)

Gene: RNASEH2B (ribonuclease H2 subunit B; plus strand). Cytogenetic location: 13q14.3.
Variant type: single nucleotide variant.
Coding change: c.345A>C on transcript NM_024570.4 (MANE Select); coding-DNA position 345, A replaced by C.
Protein change: p.Gln115His; replaces glutamine 115 with histidine.
Molecular consequence: missense variant.
Genome position (GRCh38, 1-based): chr13:50,934,908, A>C. VCF-style: chr13-50934908-A-C. GRCh37 (hg19) VCF-style: chr13-51509044-A-C.
Other names: c.345A>C, p.Gln115His (NM_001142279.2, NM_001411023.1); short protein forms Q115H.
Identifiers: ClinVar variation 2054718 (VCV002054718.4), dbSNP rs2541505611, ClinGen allele CA388259144.
Genomic context (GRCh38, chr13:50,934,908, plus strand): 5'-AATGAAATGCTTGCTTTCCAACTAACTGTTTTTTCAGGGGAAGTTTCAGCCCCTTGATCA[A>C]GTTGTGGTGGATAACGTGTTTCCAAATTGCATCTTGTTGCTGAAACTTCCTGGACTTGAG-3'
Protein context (NP_078846.2, residues 105-125): DKEGKFQPLD[Gln115His]VVVDNVFPNC

ClinVar aggregate classification (germline): Uncertain significance (1 of 4 stars; one submission).

Conditions:
Aicardi-Goutieres syndrome 2. Identifiers: Orphanet 51, MedGen C3489724, MONDO:0012429, OMIM 610181.

Submission:

Labcorp Genetics (formerly Invitae), Labcorp
Classification: Uncertain significance for Aicardi-Goutieres syndrome 2. Last evaluated: 2022-07-26. Review status: criteria provided, single submitter. Criteria: Invitae Variant Classification Sherloc (09022015). Collection method: clinical testing. Allele origin: germline.
Comment: Algorithms developed to predict the effect of missense changes on protein structure and function are either unavailable or do not agree on the potential impact of this missense change (SIFT: "Deleterious"; PolyPhen-2: "Probably Damaging"; Align-GVGD: "Class C0"). In summary, the available evidence is currently insufficient to determine the role of this variant in disease. Therefore, it has been classified as a Variant of Uncertain Significance. This sequence change replaces glutamine, which is neutral and polar, with histidine, which is basic and polar, at codon 115 of the RNASEH2B protein (p.Gln115His). This variant is not present in population databases (gnomAD no frequency). This variant has not been reported in the literature in individuals affected with RNASEH2B-related conditions.